The following is an entry in ClinVar:

NM_000202.8(IDS):c.103+32del

Gene: IDS (iduronate 2-sulfatase; minus strand). Cytogenetic location: Xq28.
Variant type: Deletion.
Coding change: c.103+32del on transcript NM_000202.8 (MANE Select); 32 bases into the intron after coding-DNA position 103, one base deleted (T; older notation c.103+32delT).
Molecular consequence: intron variant.
Genome position (GRCh38, 1-based): chrX:149,505,003, A deleted on the plus strand (T on the coding strand, the reverse complement: IDS is on the minus strand). VCF-style (leftmost placement, unchanged base first): chrX-149505002-GA-G. GRCh37 (hg19) VCF-style: chrX-148586532-GA-G.
Other names: c.-124+32del (NM_001166550.4); c.103+32del (NM_006123.5).
Identifiers: ClinVar variation 2661616 (VCV002661616.24), dbSNP rs782763182, ClinGen allele CA10537743.

ClinVar aggregate classification (germline): Likely benign (1 of 4 stars; one submission).

Allele frequency attached by ClinVar (database versions not stated): ExAC 0.00030; ESP Exome Variant Server 0.00039; TOPMed 0.00046; gnomAD 0.00050; gnomAD exomes 0.00088.

Submission:

CeGaT Center for Human Genetics Tuebingen
Classification: Likely benign. Last evaluated: 2022-12-01. Review status: criteria provided, single submitter. Criteria: CeGaT Center For Human Genetics Tuebingen Variant Classification Criteria Version 2. Collection method: clinical testing. Allele origin: germline. Affected: yes. Observed: 1 variant allele.
Comment: IDS: BS2